The following is an entry in ClinVar:

ClinVar aggregate classification (germline): Benign/Likely benign. Review status: criteria provided, multiple submitters, no conflicts (2 of 4 stars). 5 submissions from 5 submitters: Benign (1); Likely benign (4). Last evaluated 2026-07-01.

Conditions:
Inborn genetic diseases. Identifiers: MedGen C0950123, MeSH D030342.

Allele frequency attached by ClinVar (database versions not stated): 1000 Genomes Project 30x 0.00312; ExAC 0.00076; gnomAD 0.00197; ESP Exome Variant Server 0.00208; TOPMed 0.00241; 1000 Genomes Project 0.00300.
gnomAD v4.1: 797 of 1,610,482 alleles (0.049%); highest among the groups gnomAD compares: African/African-American, 0.77%; 5 homozygotes.

Submissions (5):

CeGaT Center for Human Genetics Tuebingen
Classification: Likely benign. Last evaluated: 2026-07-01. Review status: criteria provided, single submitter. Criteria: CeGaT Center For Human Genetics Tuebingen Variant Classification Criteria Version 2. Collection method: clinical testing. Allele origin: germline. Affected: yes. Observed: 4 variant alleles.
Comment: CC2D1A: BP4, BP7

Labcorp Genetics (formerly Invitae), Labcorp
Classification: Benign. Last evaluated: 2025-11-05. Review status: criteria provided, single submitter. Criteria: Invitae Variant Classification Sherloc (09022015). Collection method: clinical testing. Allele origin: germline.

Ambry Genetics
Classification: Likely benign for Inborn genetic diseases. Last evaluated: 2017-02-10. Review status: criteria provided, single submitter. Criteria: Ambry Variant Classification Scheme 2023. Collection method: clinical testing. Allele origin: germline.

Genetic Services Laboratory, University of Chicago
Classification: Likely benign. Last evaluated: 2015-11-19. Review status: criteria provided, single submitter. Criteria: ACMG Guidelines, 2015. Collection method: clinical testing. Allele origin: germline. Affected: no.

Breakthrough Genomics
Classification: Likely benign. Review status: criteria provided, single submitter. Criteria: ACMG Guidelines, 2015. Collection method: not provided. Allele origin: germline. Inheritance: Autosomal recessive inheritance. Affected: yes.

NM_017721.5(CC2D1A):c.1449C>G (p.Pro483=)

Gene: CC2D1A (coiled-coil and C2 domain containing 1A; plus strand). Cytogenetic location: 19p13.12.
Variant type: single nucleotide variant.
Coding change: c.1449C>G on transcript NM_017721.5 (MANE Select); coding-DNA position 1449, C replaced by G.
Protein change: p.Pro483=; no amino-acid change (proline 483 retained).
Molecular consequence: synonymous variant.
Genome position (GRCh38, 1-based): chr19:13,920,649, C>G. VCF-style: chr19-13920649-C-G. GRCh37 (hg19) VCF-style: chr19-14031462-C-G.
Identifiers: ClinVar variation 434601 (VCV000434601.25), dbSNP rs201221633, ClinGen allele CA9244674.